The following is an entry in ClinVar:

ClinVar aggregate classification (germline): Uncertain significance. Review status: criteria provided, multiple submitters, no conflicts (2 of 4 stars). 4 submissions from 4 submitters: Uncertain significance (4). Last evaluated 2025-10-14.

Conditions:
Chuvash polycythemia. Also called: POLYCYTHEMIA, VHL-DEPENDENT. Identifiers: Orphanet 238557, MedGen C1837915, MONDO:0009892, OMIM 263400.
Von Hippel-Lindau syndrome (VHLS). Also called: VHL syndrome; Von Hippel-Lindau; von Hippel–Lindau syndrome. Identifiers: Orphanet 892, MedGen C0019562, MONDO:0008667, OMIM 193300. Disease mechanism: loss of function.
Hereditary cancer-predisposing syndrome. Also called: Tumor predisposition; Hereditary neoplastic syndrome; Neoplastic Syndromes, Hereditary; Hereditary Cancer Syndrome. Identifiers: Orphanet 140162, MedGen C0027672, MeSH D009386, MONDO:0015356.

Submissions (4):

Labcorp Genetics (formerly Invitae), Labcorp
Classification: Uncertain significance for Von Hippel-Lindau syndrome; Chuvash polycythemia. Last evaluated: 2025-10-14. Review status: criteria provided, single submitter. Criteria: Invitae Variant Classification Sherloc (09022015). Collection method: clinical testing. Allele origin: germline.
Comment: This sequence change replaces glutamic acid, which is acidic and polar, with leucine, which is neutral and non-polar, at codon 12 of the VHL protein (p.Glu12Leu). This variant is present in population databases (no rsID available, gnomAD 0.003%). This variant has not been reported in the literature in individuals affected with VHL-related conditions. ClinVar contains an entry for this variant (Variation ID: 937122). An algorithm developed to predict the effect of missense changes on protein structure and function (PolyPhen-2) suggests that this variant is likely to be disruptive. In summary, the available evidence is currently insufficient to determine the role of this variant in disease. Therefore, it has been classified as a Variant of Uncertain Significance.

GeneDx
Classification: Uncertain significance. Last evaluated: 2024-01-03. Review status: criteria provided, single submitter. Criteria: GeneDx Variant Classification Process June 2021. Collection method: clinical testing. Allele origin: germline. Affected: yes.
Comment: Not observed at significant frequency in large population cohorts (gnomAD); In silico analysis supports that this variant does not alter protein structure/function; Has not been previously published as pathogenic or benign to our knowledge

Ambry Genetics
Classification: Uncertain significance for Hereditary cancer-predisposing syndrome. Last evaluated: 2023-12-04. Review status: criteria provided, single submitter. Criteria: Ambry Variant Classification Scheme 2023. Collection method: clinical testing. Allele origin: germline.
Comment: The c.34_35delGAinsTT variant (also known as p.E12L), located in coding exon 1 of the VHL gene, results from an in-frame deletion of GA and insertion of TT at nucleotide positions 34 to 35. This results in the substitution of the glutamic acid residue for a leucine residue at codon 12. This amino acid position is well conserved in available vertebrate species. In addition, this alteration is predicted to be neutral by in silico analysis (Choi Y et al. PLoS ONE. 2012; 7(10):e46688). Since supporting evidence is limited at this time, the clinical significance of this alteration remains unclear.

Baylor Genetics
Classification: Uncertain significance for Chuvash polycythemia. Last evaluated: 2023-08-23. Review status: criteria provided, single submitter. Criteria: ACMG Guidelines, 2015. Collection method: clinical testing. Allele origin: unknown.

NM_000551.4(VHL):c.34_35delinsTT (p.Glu12Leu)

Gene: VHL (von Hippel-Lindau tumor suppressor; plus strand). Cytogenetic location: 3p25.3.
Variant type: Indel.
Coding change: c.34_35delinsTT on transcript NM_000551.4 (MANE Select); coding-DNA positions 34 to 35, GA replaced by TT.
Protein change: p.Glu12Leu; replaces glutamic acid 12 with leucine.
Molecular consequence: missense variant.
Genome position (GRCh38, 1-based): chr3:10,141,881-10,141,882, GA replaced by TT. VCF-style: chr3-10141881-GA-TT. GRCh37 (hg19) VCF-style: chr3-10183565-GA-TT.
Other names: c.34_35delinsTT, p.Glu12Leu (NM_001354723.2, NM_198156.3); c.34_35delGAinsTT (NM_000551.3); short protein forms E12L.
Identifiers: ClinVar variation 937122 (VCV000937122.19), dbSNP rs1696115662, ClinGen allele CA1139655721.